The following is an entry in ClinVar:

ClinVar aggregate classification (germline): Uncertain significance. Review status: criteria provided, multiple submitters, no conflicts (2 of 4 stars). 2 submissions from 2 submitters: Uncertain significance (2). Last evaluated 2025-11-11.

Conditions:
COL18A1-related disorder. Also called: COL18A1-related condition; COL18A1-related disorders.

gnomAD v4.1: 90 of 1,541,276 alleles (0.0058%); highest among the groups gnomAD compares: Non-Finnish European, 0.0076%; no homozygotes.

Submissions (2):

PreventionGenetics, part of Exact Sciences
Classification: Uncertain significance for COL18A1-related condition. Last evaluated: 2025-11-11. Review status: criteria provided, single submitter. Criteria: ACMG Guidelines, 2015. Collection method: clinical testing. Allele origin: germline.
Comment: The COL18A1 c.1235G>T variant is predicted to result in the amino acid substitution p.Cys412Phe. To our knowledge, this variant has not been reported in the literature. This variant is reported in 0.0032% of alleles in individuals of European (Non-Finnish) descent in gnomAD. At this time, the clinical significance of this variant is uncertain due to the absence of conclusive functional and genetic evidence.

Blueprint Genetics
Classification: Uncertain significance. Last evaluated: 2024-09-02. Review status: criteria provided, single submitter. Criteria: ACMG Guidelines, 2015. Collection method: clinical testing. Allele origin: germline.

NM_001379500.1(COL18A1):c.107-11477G>T

Gene: COL18A1 (collagen type XVIII alpha 1 chain; plus strand). Cytogenetic location: 21q22.3.
Variant type: single nucleotide variant.
Coding change: c.107-11477G>T on transcript NM_001379500.1 (MANE Select); 11477 bases into the intron before coding-DNA position 107, G replaced by T.
Molecular consequence: intron variant. On other transcripts: missense variant (1).
Genome position (GRCh38, 1-based): chr21:45,456,765, G>T. VCF-style: chr21-45456765-G-T. GRCh37 (hg19) VCF-style: chr21-46876679-G-T.
Other names: c.1235G>T, p.Cys412Phe (NM_130444.3); c.646+589G>T (NM_030582.4); c.1235G>T (NM_130444.2); short protein forms C412F.
Identifiers: ClinVar variation 4946588 (VCV004946588.2).